The following is an entry in ClinVar:

ClinVar aggregate classification (germline): Uncertain significance (1 of 4 stars; one submission).

Conditions:
Autosomal dominant polycystic kidney disease. Identifiers: Orphanet 730, MedGen C0085413, MONDO:0004691.

gnomAD v4.1: 4 of 1,614,100 alleles (0.00025%); highest among the groups gnomAD compares: Admixed American, 0.0017%; no homozygotes.

Submission:

Labcorp Genetics (formerly Invitae), Labcorp
Classification: Uncertain significance for Autosomal dominant polycystic kidney disease. Last evaluated: 2024-07-08. Review status: criteria provided, single submitter. Criteria: Invitae Variant Classification Sherloc (09022015). Collection method: clinical testing. Allele origin: germline.
Comment: This sequence change replaces arginine, which is basic and polar, with leucine, which is neutral and non-polar, at codon 945 of the PKD2 protein (p.Arg945Leu). This variant is present in population databases (rs757884381, gnomAD 0.003%). This variant has not been reported in the literature in individuals affected with PKD2-related conditions. An algorithm developed to predict the effect of missense changes on protein structure and function (PolyPhen-2) suggests that this variant is likely to be disruptive. In summary, the available evidence is currently insufficient to determine the role of this variant in disease. Therefore, it has been classified as a Variant of Uncertain Significance.

NM_000297.4(PKD2):c.2834G>T (p.Arg945Leu)

Gene: PKD2 (polycystin 2, transient receptor potential cation channel; plus strand). Cytogenetic location: 4q22.1.
Variant type: single nucleotide variant.
Coding change: c.2834G>T on transcript NM_000297.4 (MANE Select); coding-DNA position 2834, G replaced by T.
Protein change: p.Arg945Leu; replaces arginine 945 with leucine.
Molecular consequence: missense variant. On other transcripts: non-coding transcript variant (1).
Genome position (GRCh38, 1-based): chr4:88,075,621, G>T. VCF-style: chr4-88075621-G-T. GRCh37 (hg19) VCF-style: chr4-88996773-G-T.
Other names: short protein forms R945L.
Identifiers: ClinVar variation 2914311 (VCV002914311.3), dbSNP rs757884381, ClinGen allele CA3004375.